The following is an entry in ClinVar:

NM_004364.5(CEBPA):c.557C>T (p.Pro186Leu)

Gene: CEBPA (CCAAT enhancer binding protein alpha; minus strand). Cytogenetic location: 19q13.11.
Variant type: single nucleotide variant.
Coding change: c.557C>T on transcript NM_004364.5 (MANE Select); coding-DNA position 557, C replaced by T.
Protein change: p.Pro186Leu; replaces proline 186 with leucine.
Molecular consequence: missense variant.
Genome position (GRCh38, 1-based): chr19:33,301,858, G>A on the plus strand (C>T on the coding strand, the complement: CEBPA is on the minus strand). VCF-style: chr19-33301858-G-A. GRCh37 (hg19) VCF-style: chr19-33792764-G-A.
Other names: c.200C>T, p.Pro67Leu (NM_001285829.2); c.662C>T, p.Pro221Leu (NM_001287424.2); c.515C>T, p.Pro172Leu (NM_001287435.2); short protein forms P186L, P67L, P221L, P172L.
Identifiers: ClinVar variation 943346 (VCV000943346.10), dbSNP rs1367523224, ClinGen allele CA405274696.

ClinVar aggregate classification (germline): Uncertain significance (1 of 4 stars; one submission).

Conditions:
Acute myeloid leukemia (AML). Also called: Acute myeloid leukemia, adult; AML adult; Acute non-lymphocytic leukemia; Acute granulocytic leukemia; Leukemia, acute myelogenous, somatic; Leukemia, acute myeloid, somatic. Identifiers: Orphanet 519, MedGen C0023467, MeSH D015470, MONDO:0018874, OMIM 601626, HP:0004808. Disease mechanism: Constitutively activated FLT3.

Allele frequency attached by ClinVar (database versions not stated): TOPMed below 0.00001.

Submission:

Labcorp Genetics (formerly Invitae), Labcorp
Classification: Uncertain significance for Acute myeloid leukemia. Last evaluated: 2022-07-12. Review status: criteria provided, single submitter. Criteria: Invitae Variant Classification Sherloc (09022015). Collection method: clinical testing. Allele origin: germline.
Comment: This variant has not been reported in the literature in individuals affected with CEBPA-related conditions. In summary, the available evidence is currently insufficient to determine the role of this variant in disease. Therefore, it has been classified as a Variant of Uncertain Significance. Algorithms developed to predict the effect of missense changes on protein structure and function are either unavailable or do not agree on the potential impact of this missense change (SIFT: "Deleterious"; PolyPhen-2: "Possibly Damaging"; Align-GVGD: "Class C0"). ClinVar contains an entry for this variant (Variation ID: 943346). This variant is not present in population databases (gnomAD no frequency). This sequence change replaces proline, which is neutral and non-polar, with leucine, which is neutral and non-polar, at codon 186 of the CEBPA protein (p.Pro186Leu).